The following is an entry in ClinVar:

ClinVar aggregate classification (germline): Uncertain significance. Review status: criteria provided, multiple submitters, no conflicts (2 of 4 stars). 2 submissions from 2 submitters: Uncertain significance (2). Last evaluated 2025-09-25.

Conditions:
Cardiovascular phenotype. Identifiers: MedGen CN230736.
Hereditary cancer-predisposing syndrome. Also called: Tumor predisposition; Hereditary neoplastic syndrome; Hereditary Cancer Syndrome; Neoplastic Syndromes, Hereditary. Identifiers: Orphanet 140162, MedGen C0027672, MeSH D009386, MONDO:0015356.

Submissions (2):

Ambry Genetics
Classification: Uncertain significance for Cardiovascular phenotype; Hereditary cancer-predisposing syndrome. Last evaluated: 2025-09-25. Review status: criteria provided, single submitter. Criteria: Ambry Variant Classification Scheme 2023. Collection method: clinical testing. Allele origin: germline.
Comment: The p.F153L variant (also known as c.459T>G), located in coding exon 5 of the LZTR1 gene, results from a T to G substitution at nucleotide position 459. The phenylalanine at codon 153 is replaced by leucine, an amino acid with highly similar properties. This amino acid position is conserved. In addition, the in silico prediction for this alteration is inconclusive. Based on the available evidence, the clinical significance of this variant remains unclear.

Labcorp Genetics (formerly Invitae), Labcorp
Classification: Uncertain significance. Last evaluated: 2022-02-07. Review status: criteria provided, single submitter. Criteria: Invitae Variant Classification Sherloc (09022015). Collection method: clinical testing. Allele origin: germline.
Comment: In summary, the available evidence is currently insufficient to determine the role of this variant in disease. Therefore, it has been classified as a Variant of Uncertain Significance. Algorithms developed to predict the effect of missense changes on protein structure and function are either unavailable or do not agree on the potential impact of this missense change (SIFT: "Deleterious"; PolyPhen-2: "Probably Damaging"; Align-GVGD: "Class C15"). This variant has not been reported in the literature in individuals affected with LZTR1-related conditions. This variant is not present in population databases (gnomAD no frequency). This sequence change replaces phenylalanine, which is neutral and non-polar, with leucine, which is neutral and non-polar, at codon 153 of the LZTR1 protein (p.Phe153Leu).

NM_006767.4(LZTR1):c.459T>G (p.Phe153Leu)

Gene: LZTR1 (leucine zipper like post translational regulator 1; plus strand). Cytogenetic location: 22q11.21.
Variant type: single nucleotide variant.
Coding change: c.459T>G on transcript NM_006767.4 (MANE Select); coding-DNA position 459, T replaced by G.
Protein change: p.Phe153Leu; replaces phenylalanine 153 with leucine.
Molecular consequence: missense variant.
Genome position (GRCh38, 1-based): chr22:20,988,068, T>G. VCF-style: chr22-20988068-T-G. GRCh37 (hg19) VCF-style: chr22-21342357-T-G.
Other names: short protein forms F153L.
Identifiers: ClinVar variation 1461278 (VCV001461278.10), dbSNP rs2147962027, ClinGen allele CA410779828.